The following is an entry in ClinVar:

ClinVar aggregate classification (germline): Likely benign (1 of 4 stars; one submission).

gnomAD v4.1: 71 of 1,522,430 alleles (0.0047%); highest among the groups gnomAD compares: African/African-American, 0.048%; 16 homozygotes.

Submission:

Mayo Clinic Laboratories, Mayo Clinic
Classification: Likely benign. Last evaluated: 2025-09-29. Review status: criteria provided, single submitter. Criteria: ACMG Guidelines, 2015. Collection method: clinical testing. Allele origin: germline. Observed: 2 variant alleles.
Comment: BP4, BP7

NM_021023.6(CFHR3):c.987C>T (p.Cys329=)

Gene: CFHR3 (complement factor H related 3; plus strand). Cytogenetic location: 1q31.3.
Variant type: single nucleotide variant.
Coding change: c.987C>T on transcript NM_021023.6 (MANE Select); coding-DNA position 987, C replaced by T.
Protein change: p.Cys329=; no amino-acid change (cysteine 329 retained).
Molecular consequence: synonymous variant.
Genome position (GRCh38, 1-based): chr1:196,793,507, C>T. VCF-style: chr1-196793507-C-T. GRCh37 (hg19) VCF-style: chr1-196762637-C-T.
Other names: p.Cys329=; c.804C>T, p.Cys268= (NM_001166624.2).
Identifiers: ClinVar variation 4683954 (VCV004683954.1).